The following is an entry in ClinVar:

ClinVar aggregate classification (germline): Benign. Review status: reviewed by expert panel (3 of 4 stars). 16 submissions from 16 submitters: Benign (1). 15 of the submissions do not count toward it. Last evaluated 2019-06-18.

Conditions:
Pancreatic cancer, susceptibility to, 4. Identifiers: Orphanet 1333, MedGen C3280442, MONDO:0013685, OMIM 614320.
Breast-ovarian cancer, familial, susceptibility to, 1 (BROVCA1). Also called: BRCA1 Hereditary Breast and Ovarian Cancer; OVARIAN CANCER, SUSCEPTIBILITY TO. Identifiers: Orphanet 145, MedGen C2676676, MONDO:0011450, OMIM 604370. Disease mechanism: loss of function.
Fanconi anemia, complementation group S (FANCS). Identifiers: MedGen C4554406, MONDO:0054748, OMIM 617883.
Familial cancer of breast. Also called: Hereditary breast cancer; hereditary breast carcinoma; BREAST CANCER, FAMILIAL. Identifiers: Orphanet 227535, MedGen C0346153, MONDO:0016419, OMIM 114480. Disease mechanism: loss of function.
Hereditary cancer-predisposing syndrome. Also called: Neoplastic Syndromes, Hereditary; Tumor predisposition; Hereditary neoplastic syndrome; Hereditary Cancer Syndrome. Identifiers: Orphanet 140162, MedGen C0027672, MeSH D009386, MONDO:0015356.
Hereditary breast ovarian cancer syndrome. Also called: Breast and ovarian cancer; Hereditary breast and/or ovarian cancer syndrome; Hereditary breast and ovarian cancer syndrome (HBOC); Hereditary breast and ovarian cancer; Hereditary breast and ovarian cancer syndrome; BRCA1- and BRCA2-Associated Hereditary Breast and Ovarian Cancer. Identifiers: Orphanet 145, MedGen C0677776, MeSH D061325, MONDO:0003582. Disease mechanism: loss of function.
Malignant tumor of breast. Also called: Cancer breast; Malignant breast neoplasm. Identifiers: MedGen C0006142, MONDO:0007254. Disease mechanism: loss of function.

Allele frequency attached by ClinVar (database versions not stated): TOPMed 0.00015; ExAC 0.00021; gnomAD 0.00032; gnomAD exomes 0.00018.
gnomAD v4.1: 34 of 1,613,798 alleles (0.0021%); highest among the groups gnomAD compares: East Asian, 0.071%; no homozygotes.

Submissions (16):

Evidence-based Network for the Interpretation of Germline Mutant Alleles (ENIGMA)
Classification: Benign for Breast-ovarian cancer, familial, susceptibility to, 1. Last evaluated: 2019-06-18. Review status: reviewed by expert panel. Criteria: ENIGMA BRCA1/2 Classification Criteria (2017-06-29). Collection method: curation. Allele origin: germline.
Comment: Variant allele has low bioinformatic likelihood to encode a missense alteration affecting protein function (Missense prior probability 0.02), AND low bioinformatic likelihood to alter mRNA splicing (splicing prior 0.02), AND minor allele frequency 0.00281 (East Asian), derived from gnomAD v2.1.1 non-cancer (2019-05-13).

Labcorp Genetics (formerly Invitae), Labcorp
Classification: Benign for Hereditary breast ovarian cancer syndrome. Last evaluated: 2026-01-25. Review status: criteria provided, single submitter. Criteria: Invitae Variant Classification Sherloc (09022015). Collection method: clinical testing. Allele origin: germline. Not counted in ClinVar's aggregate classification.

Women's Health and Genetics/Laboratory Corporation of America, LabCorp
Classification: Benign. Last evaluated: 2022-01-11. Review status: criteria provided, single submitter. Criteria: LabCorp Variant Classification Summary - May 2015. Collection method: clinical testing. Allele origin: germline. Not counted in ClinVar's aggregate classification.
Comment: Variant summary: BRCA1 c.1036C>T (p.Pro346Ser) results in a non-conservative amino acid change located in the BRCA1, serine-rich domain of the encoded protein sequence. Four of five in-silico tools predict a benign effect of the variant on protein function. The variant allele was found at a frequency of 0.00019 in 282696 control chromosomes, predominantly at a frequency of 0.0027 within the East Asian subpopulation in the gnomAD database. The observed variant frequency within East Asian control individuals in the gnomAD database is approximately 3 fold of the estimated maximal expected allele frequency for a pathogenic variant in BRCA1 causing Hereditary Breast And Ovarian Cancer Syndrome phenotype (0.001), strongly suggesting that the variant is a benign polymorphism found primarily in populations of East Asian origin. c.1036C>T has been reported in the literature in individuals affected with Hereditary Breast And Ovarian Cancer Syndrome (Kuo_2012, Sun_2014, Thirthagiri_2008, Flower_2015, Chao_2016, Lai_2017, Chan_2018). These reports do not provide unequivocal conclusions about association of the variant with Hereditary Breast And Ovarian Cancer Syndrome. Additionally, multifactorial likelihood analysis classified this variant as neutral (Bouwman_2020). To our knowledge, no experimental evidence demonstrating an impact on protein function has been reported. Nine ClinVar submitters (evaluation after 2014) cite the variant as uncertain significance (n=1), likely benign (n=3) and benign (n=5), including one expert panel (ENIGMA) classified it as benign. Based on the evidence outlined above, the variant was classified as benign.

Fulgent Genetics
Classification: Likely benign for Familial cancer of breast; Breast-ovarian cancer, familial, susceptibility to, 1; Pancreatic cancer, susceptibility to, 4; Fanconi anemia, complementation group S. Last evaluated: 2021-11-04. Review status: criteria provided, single submitter. Criteria: ACMG Guidelines, 2015. Collection method: clinical testing. Allele origin: unknown. Not counted in ClinVar's aggregate classification.

Sema4
Classification: Likely benign for Hereditary cancer-predisposing syndrome. Last evaluated: 2021-09-15. Review status: criteria provided, single submitter. Criteria: Sema4 Curation Guidelines. Collection method: curation. Allele origin: germline. Not counted in ClinVar's aggregate classification.

Mendelics
Classification: Benign for Breast-ovarian cancer, familial, susceptibility to, 1. Last evaluated: 2019-05-28. Review status: criteria provided, single submitter. Criteria: Mendelics Assertion Criteria 2017. Collection method: clinical testing. Allele origin: unknown. Not counted in ClinVar's aggregate classification.

Ambry Genetics
Classification: Likely benign for Hereditary cancer-predisposing syndrome. Last evaluated: 2019-04-03. Review status: criteria provided, single submitter. Criteria: Ambry Variant Classification Scheme 2023. Collection method: clinical testing. Allele origin: germline. Not counted in ClinVar's aggregate classification.

Quest Diagnostics Nichols Institute San Juan Capistrano
Classification: Benign. Last evaluated: 2019-03-12. Review status: criteria provided, single submitter. Criteria: Quest Diagnostics criteria. Collection method: clinical testing. Allele origin: germline. Not counted in ClinVar's aggregate classification.

GeneDx
Classification: Likely benign. Last evaluated: 2017-05-30. Review status: criteria provided, single submitter. Criteria: GeneDx Variant Classification (06012015). Collection method: clinical testing. Allele origin: germline. Affected: yes. Not counted in ClinVar's aggregate classification.
Comment: This variant is considered likely benign or benign based on one or more of the following criteria: it is a conservative change, it occurs at a poorly conserved position in the protein, it is predicted to be benign by multiple in silico algorithms, and/or has population frequency not consistent with disease.

Cancer Genetics and Genomics Laboratory, British Columbia Cancer Agency
Classification: Likely benign. Last evaluated: 2017-04-18. Review status: criteria provided, single submitter. Criteria: ACMG Guidelines, 2015. Collection method: clinical testing. Allele origin: germline. Study: The Canadian Open Genetics Repository (COGR). Not counted in ClinVar's aggregate classification.

Color Diagnostics, LLC DBA Color Health
Classification: Benign for Hereditary cancer-predisposing syndrome. Last evaluated: 2016-10-22. Review status: criteria provided, single submitter. Criteria: ACMG Guidelines, 2015. Collection method: clinical testing. Allele origin: germline. Not counted in ClinVar's aggregate classification.

Counsyl
Classification: Uncertain significance for Breast-ovarian cancer, familial, susceptibility to, 1. Last evaluated: 2017-08-10. Review status: no assertion criteria provided. Collection method: clinical testing. Allele origin: unknown. Not counted in ClinVar's aggregate classification.

Sharing Clinical Reports Project (SCRP)
Classification: Benign for Breast-ovarian cancer, familial 1. Last evaluated: 2012-02-13. Review status: no assertion criteria provided. Collection method: clinical testing. Allele origin: germline. Not counted in ClinVar's aggregate classification.

Breast Cancer Information Core (BIC) (BRCA1)
Classification: Uncertain significance for Breast-ovarian cancer, familial 1. Last evaluated: 2010-09-18. Review status: no assertion criteria provided. Collection method: clinical testing. Allele origin: germline. Affected: yes. Observed: 4 variant alleles. Not counted in ClinVar's aggregate classification.

Center for Precision Medicine, Meizhou People's Hospital
Classification: Likely benign for Familial cancer of breast. Review status: no assertion criteria provided. Collection method: literature only. Allele origin: germline. Affected: yes. Not counted in ClinVar's aggregate classification.

Department of Pathology and Laboratory Medicine, Sinai Health System
Classification: Likely benign for Malignant tumor of breast. Review status: no assertion criteria provided. Collection method: clinical testing. Allele origin: unknown. Affected: yes. Study: The Canadian Open Genetics Repository (COGR). Not counted in ClinVar's aggregate classification.
Comment: The BRCA1 p.Pro346Ser variant was identified in 3 of 482 proband chromosomes (frequency: 0.006) from Taiwanese and Malaysian individuals or families with breast cancer, early onset breast cancer or a family history of breast and ovarian cancer (Li 1999, Kuo 2012, Thirthagiri 2008). In these studies, the variant was considered a polymorphism, found to co-occur with a pathogenic BRCA2 mutation (exon 3: 490 delCT/STOP 99) in one proband and linkage was not established in another. The variant was also identified in dbSNP (ID: rs80357015) â€šÃ„ÃºWith other alleleâ€šÃ„Ã¹, ClinVar (classified with conflicting interpretations of pathogenicity; benign by Invitae and SCRP (Sharing Clinical Reports Project); likely benign by Ambry Genetics and GeneDx; and uncertain significance by BIC)), Clinvitae (5X), LOVD 3.0 (2x), UMD-LSDB (2-Likely Neutral), BIC Database (4X, unknown clinical importance, classification pending), and Zhejiang Colon Cancer Database (2x); but was not identified in COGR, Cosmic, MutDB, and ARUP Laboratories databases. The variant was identified in control databases in 49 of 276996 chromosomes at a frequency of 0.0002 in the following population: East Asian in 49 of 18868 chromosomes (freq. 0.0025), increasing the likelihood that this may be a low frequency variant in certain populations of origin (Genome Aggregation Consortium Feb 27, 2017). The p.Pro346 residue is not conserved in mammals and four out of five computational analyses (PolyPhen-2, SIFT, AlignGVGD, BLOSUM, MutationTaster) do not suggest a high likelihood of impact to the protein; however, this information is not predictive enough to rule out pathogenicity. The variant occurs outside of the splicing consensus sequence and in silico or computational prediction software programs (SpliceSiteFinder, MaxEntScan, NNSPLICE, GeneSplicer, HumanSpliceFinder) do not predict a difference in splicing. In summary, based on the above information the clinical significance of this variant cannot be determined with certainty at this time although we would lean towards a more benign role for this variant. This variant is classified as likely benign.

Literature cited by the submitters: PubMed 16267036 (cited by Women's Health and Genetics/Laboratory Corporation of America, LabCorp and Quest Diagnostics Nichols Institute San Juan Capistrano); PubMed 18627636 (cited by 5 submitters); PubMed 22277901 (cited by 5 submitters); PubMed 25337278 (cited by 3 submitters); PubMed 26727311 (cited by 3 submitters); PubMed 30093976 (cited by Women's Health and Genetics/Laboratory Corporation of America, LabCorp); PubMed 30702160 (cited by Women's Health and Genetics/Laboratory Corporation of America, LabCorp); PubMed 28222693 (cited by 3 submitters); PubMed 27907908 (cited by 3 submitters); PubMed 31112341 (cited by Women's Health and Genetics/Laboratory Corporation of America, LabCorp); PubMed 32546644 (cited by Women's Health and Genetics/Laboratory Corporation of America, LabCorp); PubMed 33087888 (cited by Women's Health and Genetics/Laboratory Corporation of America, LabCorp); PubMed 10323242 (cited by 4 submitters).

NM_007294.4(BRCA1):c.1036C>T (p.Pro346Ser)

Gene: BRCA1 (BRCA1 DNA repair associated; minus strand). Cytogenetic location: 17q21.31.
Variant type: single nucleotide variant.
Coding change: c.1036C>T on transcript NM_007294.4 (MANE Select); coding-DNA position 1036, C replaced by T.
Protein change: p.Pro346Ser; replaces proline 346 with serine.
Molecular consequence: missense variant. On other transcripts: intron variant (137).
Genome position (GRCh38, 1-based): chr17:43,094,495, G>A on the plus strand (C>T on the coding strand, the complement: BRCA1 is on the minus strand). VCF-style: chr17-43094495-G-A. GRCh37 (hg19) VCF-style: chr17-41246512-G-A.
Other names: p.P346S:CCC>TCC; 1155C>T; c.823C>T, p.Pro275Ser (NM_001407571.1, NM_001407896.1, NM_001407897.1 and 9 more transcripts); c.1036C>T, p.Pro346Ser (NM_001407581.1, NM_001407582.1, NM_001407583.1 and 30 more transcripts); c.1033C>T, p.Pro345Ser (NM_001407587.1, NM_001407590.1, NM_001407591.1 and 22 more transcripts); c.1027C>T, p.Pro343Ser (NM_001407646.1, NM_001407647.1); c.913C>T, p.Pro305Ser (NM_001407648.1, NM_001407666.1, NM_001407667.1 and 19 more transcripts); c.910C>T, p.Pro304Ser (NM_001407649.1, NM_001407670.1, NM_001407671.1 and 11 more transcripts); and 42 more; short protein forms P346S, P299S, P275S, P298S, P304S, P320S, P345S, P178S.
Identifiers: ClinVar variation 37389 (VCV000037389.31), dbSNP rs80357015, ClinGen allele CA000696.